The following is an entry in ClinVar:

NM_001849.4(COL6A2):c.2332G>A (p.Asp778Asn)

Gene: COL6A2 (collagen type VI alpha 2 chain; plus strand). Cytogenetic location: 21q22.3.
Variant type: single nucleotide variant.
Coding change: c.2332G>A on transcript NM_001849.4 (MANE Select); coding-DNA position 2332, G replaced by A.
Protein change: p.Asp778Asn; replaces aspartic acid 778 with asparagine.
Molecular consequence: missense variant.
Genome position (GRCh38, 1-based): chr21:46,126,147, G>A. VCF-style: chr21-46126147-G-A. GRCh37 (hg19) VCF-style: chr21-47546061-G-A.
Other names: c.2332G>A, p.Asp778Asn (NM_058174.3, NM_058175.3); short protein forms D778N.
Identifiers: ClinVar variation 195955 (VCV000195955.49), dbSNP rs28562813, ClinGen allele CA202046.

ClinVar aggregate classification (germline): Benign/Likely benign. Review status: criteria provided, multiple submitters, no conflicts (2 of 4 stars). 6 submissions from 6 submitters: Benign (2); Likely benign (3). 1 of the submissions does not count toward it. Last evaluated 2026-03-01.

Conditions:
COL6A2-related disorder.
Collagen 6-related myopathy. Identifiers: MedGen CN117976, MONDO:0100225.
Bethlem myopathy 1A. Also called: MYOPATHY, BENIGN CONGENITAL, WITH CONTRACTURES; Bethlem myopathy 1; Bethlem Muscular Dystrophy. Identifiers: Orphanet 610, MedGen CN029274, MONDO:0024530, OMIM 158810.

Allele frequency attached by ClinVar (database versions not stated): gnomAD exomes 0.00028 and 0.00072; ExAC 0.00087; 1000 Genomes Project 30x 0.00219; gnomAD 0.00228 and 0.00242; 1000 Genomes Project 0.00240; TOPMed 0.00260; ESP Exome Variant Server 0.00323.
gnomAD v4.1: 769 of 1,610,842 alleles (0.048%); highest among the groups gnomAD compares: African/African-American, 0.76%; 5 homozygotes.

Submissions (6):

CeGaT Center for Human Genetics Tuebingen
Classification: Likely benign. Last evaluated: 2026-03-01. Review status: criteria provided, single submitter. Criteria: CeGaT Center For Human Genetics Tuebingen Variant Classification Criteria Version 2. Collection method: clinical testing. Allele origin: germline. Affected: yes. Observed: 3 variant alleles.
Comment: COL6A2: BP4, BS2

Labcorp Genetics (formerly Invitae), Labcorp
Classification: Likely benign for Bethlem myopathy 1A. Last evaluated: 2025-12-30. Review status: criteria provided, single submitter. Criteria: Invitae Variant Classification Sherloc (09022015). Collection method: clinical testing. Allele origin: germline.

GeneDx
Classification: Likely benign. Last evaluated: 2021-01-25. Review status: criteria provided, single submitter. Criteria: GeneDx Variant Classification Process June 2021. Collection method: clinical testing. Allele origin: germline. Affected: yes.

Illumina Laboratory Services, Illumina
Classification: Benign for Collagen VI-related myopathy. Last evaluated: 2018-01-13. Review status: criteria provided, single submitter. Criteria: ICSL Variant Classification Criteria 13 December 2019. Collection method: clinical testing. Allele origin: germline.
Comment: This variant was observed in the ICSL laboratory as part of a predisposition screen in an ostensibly healthy population. It had not been previously curated by ICSL or reported in the Human Gene Mutation Database (HGMD: prior to June 1st, 2018), and was therefore a candidate for classification through an automated scoring system. Utilizing variant allele frequency, disease prevalence and penetrance estimates, and inheritance mode, an automated score was calculated to assess if this variant is too frequent to cause the disease. Based on the score and internal cut-off values, a variant classified as benign is not then subjected to further curation. The score for this variant resulted in a classification of benign for this disease.

Eurofins Ntd Llc (ga)
Classification: Benign. Last evaluated: 2015-02-12. Review status: criteria provided, single submitter. Criteria: EGL Classification Definitions 2015. Collection method: clinical testing. Allele origin: germline. Observed: 1 variant allele, 1 heterozygote.

PreventionGenetics, part of Exact Sciences
Classification: Likely benign for COL6A2-related condition. Last evaluated: 2022-05-25. Review status: no assertion criteria provided. Collection method: clinical testing. Allele origin: germline. Not counted in ClinVar's aggregate classification.
Comment: This variant is classified as likely benign based on ACMG/AMP sequence variant interpretation guidelines (Richards et al. 2015 PMID: 25741868, with internal and published modifications).